The following is an entry in ClinVar:

NM_000179.3(MSH6):c.3854T>A (p.Phe1285Tyr)

Gene: MSH6 (mutS homolog 6; plus strand). Cytogenetic location: 2p16.3.
Variant type: single nucleotide variant.
Coding change: c.3854T>A on transcript NM_000179.3 (MANE Select); coding-DNA position 3854, T replaced by A.
Protein change: p.Phe1285Tyr; replaces phenylalanine 1285 with tyrosine.
Molecular consequence: missense variant.
Genome position (GRCh38, 1-based): chr2:47,806,504, T>A. VCF-style: chr2-47806504-T-A. GRCh37 (hg19) VCF-style: chr2-48033643-T-A.
Other names: c.2948T>A, p.Phe983Tyr (NM_001281493.2, NM_001281494.2); c.3464T>A, p.Phe1155Tyr (NM_001281492.2); short protein forms F1285Y, F1155Y, F983Y.
Identifiers: ClinVar variation 490011 (VCV000490011.9), dbSNP rs1553333453, ClinGen allele CA346761316.

ClinVar aggregate classification (germline): Uncertain significance. Review status: criteria provided, multiple submitters, no conflicts (2 of 4 stars). 3 submissions from 3 submitters: Uncertain significance (3). Last evaluated 2023-12-05.

Conditions:
Hereditary cancer-predisposing syndrome. Also called: Hereditary Cancer Syndrome; Neoplastic Syndromes, Hereditary; Tumor predisposition; Hereditary neoplastic syndrome. Identifiers: Orphanet 140162, MedGen C0027672, MeSH D009386, MONDO:0015356.
Hereditary nonpolyposis colorectal neoplasms. Identifiers: MedGen C0009405, MeSH D003123.

Submissions (3):

Color Diagnostics, LLC DBA Color Health
Classification: Uncertain significance for Hereditary cancer-predisposing syndrome. Last evaluated: 2023-12-05. Review status: criteria provided, single submitter. Criteria: ACMG Guidelines, 2015. Collection method: clinical testing. Allele origin: germline.
Comment: This missense variant replaces phenylalanine with tyrosine at codon 1285 of the MSH6 protein. Computational prediction suggests that this variant may have deleterious impact on protein structure and function (internally defined REVEL score threshold >= 0.7, PMID: 27666373). To our knowledge, functional studies have not been reported for this variant. This variant has not been reported in individuals affected with MSH6-related disorders in the literature. This variant has not been identified in the general population by the Genome Aggregation Database (gnomAD). The available evidence is insufficient to determine the role of this variant in disease conclusively. Therefore, this variant is classified as a Variant of Uncertain Significance.

Labcorp Genetics (formerly Invitae), Labcorp
Classification: Uncertain significance for Hereditary nonpolyposis colorectal neoplasms. Last evaluated: 2023-08-31. Review status: criteria provided, single submitter. Criteria: Invitae Variant Classification Sherloc (09022015). Collection method: clinical testing. Allele origin: germline.
Comment: In summary, the available evidence is currently insufficient to determine the role of this variant in disease. Therefore, it has been classified as a Variant of Uncertain Significance. Advanced modeling of protein sequence and biophysical properties (such as structural, functional, and spatial information, amino acid conservation, physicochemical variation, residue mobility, and thermodynamic stability) has been performed at Invitae for this missense variant, however the output from this modeling did not meet the statistical confidence thresholds required to predict the impact of this variant on MSH6 protein function. ClinVar contains an entry for this variant (Variation ID: 490011). This variant has not been reported in the literature in individuals affected with MSH6-related conditions. This variant is not present in population databases (gnomAD no frequency). This sequence change replaces phenylalanine, which is neutral and non-polar, with tyrosine, which is neutral and polar, at codon 1285 of the MSH6 protein (p.Phe1285Tyr).

GeneDx
Classification: Uncertain significance. Last evaluated: 2023-05-16. Review status: criteria provided, single submitter. Criteria: GeneDx Variant Classification Process June 2021. Collection method: clinical testing. Allele origin: germline. Affected: yes.
Comment: Not observed at significant frequency in large population cohorts (gnomAD); In silico analysis supports that this missense variant has a deleterious effect on protein structure/function; Has not been previously published as pathogenic or benign to our knowledge; This variant is associated with the following publications: (PMID: 17531815, 21120944)